The following is an entry in ClinVar:

ClinVar aggregate classification (germline): Uncertain significance (1 of 4 stars; one submission).

Submission:

Ambry Genetics
Classification: Uncertain significance. Last evaluated: 2024-07-27. Review status: criteria provided, single submitter. Criteria: Ambry Variant Classification Scheme 2023. Collection method: clinical testing. Allele origin: germline.
Comment: The p.T235P variant (also known as c.703A>C), located in coding exon 5 of the POLQ gene, results from an A to C substitution at nucleotide position 703. The threonine at codon 235 is replaced by proline, an amino acid with highly similar properties. This amino acid position is conserved. In addition, the in silico prediction for this alteration is inconclusive. Since supporting evidence is limited at this time, the clinical significance of this alteration remains unclear.

NM_199420.4(POLQ):c.703A>C (p.Thr235Pro)

Gene: POLQ (DNA polymerase theta; minus strand). Cytogenetic location: 3q13.33.
Variant type: single nucleotide variant.
Coding change: c.703A>C on transcript NM_199420.4 (MANE Select); coding-DNA position 703, A replaced by C.
Protein change: p.Thr235Pro; replaces threonine 235 with proline.
Molecular consequence: missense variant.
Genome position (GRCh38, 1-based): chr3:121,537,137, T>G on the plus strand (A>C on the coding strand, the complement: POLQ is on the minus strand). VCF-style: chr3-121537137-T-G. GRCh37 (hg19) VCF-style: chr3-121255984-T-G.
Other names: short protein forms T235P.
Identifiers: ClinVar variation 1756816 (VCV001756816.3), dbSNP rs2546822737, ClinGen allele CA354090475.